The following is an entry in ClinVar:

ClinVar aggregate classification (germline): Uncertain significance (1 of 4 stars; one submission).

Submission:

GeneDx
Classification: Uncertain significance. Last evaluated: 2023-10-05. Review status: criteria provided, single submitter. Criteria: GeneDx Variant Classification Process June 2021. Collection method: clinical testing. Allele origin: germline. Affected: yes.
Comment: Not observed at significant frequency in large population cohorts (gnomAD); In silico analysis supports that this missense variant does not alter protein structure/function; Has not been previously published as pathogenic or benign to our knowledge

NM_001321120.2(TBX4):c.1126C>G (p.Gln376Glu)

Gene: TBX4 (T-box transcription factor 4; plus strand). Cytogenetic location: 17q23.2.
Variant type: single nucleotide variant.
Coding change: c.1126C>G on transcript NM_001321120.2 (MANE Select); coding-DNA position 1126, C replaced by G.
Protein change: p.Gln376Glu; replaces glutamine 376 with glutamic acid.
Molecular consequence: missense variant.
Genome position (GRCh38, 1-based): chr17:61,483,001, C>G. VCF-style: chr17-61483001-C-G. GRCh37 (hg19) VCF-style: chr17-59560362-C-G.
Other names: c.1123C>G, p.Gln375Glu (NM_018488.3); short protein forms Q375E, Q376E.
Identifiers: ClinVar variation 3253049 (VCV003253049.1), dbSNP rs2060675829.